The following is an entry in ClinVar:

NM_017763.6(RNF43):c.1010G>A (p.Arg337Gln)

Gene: RNF43 (ring finger protein 43; minus strand). Cytogenetic location: 17q22.
Variant type: single nucleotide variant.
Coding change: c.1010G>A on transcript NM_017763.6 (MANE Select); coding-DNA position 1010, G replaced by A.
Protein change: p.Arg337Gln; replaces arginine 337 with glutamine.
Molecular consequence: missense variant.
Genome position (GRCh38, 1-based): chr17:58,358,766, C>T on the plus strand (G>A on the coding strand, the complement: RNF43 is on the minus strand). VCF-style: chr17-58358766-C-T. GRCh37 (hg19) VCF-style: chr17-56436127-C-T.
Other names: p.Arg337Gln; c.1010G>A, p.Arg337Gln (NM_001305544.3); c.629G>A, p.Arg210Gln (NM_001305545.2); short protein forms R210Q, R337Q.
Identifiers: ClinVar variation 1165807 (VCV001165807.49), dbSNP rs138844366, ClinGen allele CA8673249.

ClinVar aggregate classification (germline): Conflicting classifications of pathogenicity. Review status: criteria provided, conflicting classifications (1 of 4 stars). 10 submissions from 10 submitters: Uncertain significance (2); Benign (3); Likely benign (4). 1 of the submissions does not count toward it. Last evaluated 2026-06-01.

Conditions:
Hyperplastic polyposis syndrome. Identifiers: Orphanet 157798, MedGen C4296896, MONDO:0015524.
RNF43-related disorder. Also called: RNF43-related condition.

Allele frequency attached by ClinVar (database versions not stated): 1000 Genomes Project 30x 0.00062; 1000 Genomes Project 0.00080; ESP Exome Variant Server 0.00146; TOPMed 0.00179; gnomAD 0.00241 and 0.00248; gnomAD exomes 0.00245; ExAC 0.00480.
gnomAD v4.1: 4,049 of 1,559,168 alleles (0.26%); highest among the groups gnomAD compares: Non-Finnish European, 0.27%; 9 homozygotes.

Submissions (10):

CeGaT Center for Human Genetics Tuebingen
Classification: Likely benign. Last evaluated: 2026-06-01. Review status: criteria provided, single submitter. Criteria: CeGaT Center For Human Genetics Tuebingen Variant Classification Criteria Version 2. Collection method: clinical testing. Allele origin: germline. Affected: yes. Observed: 23 variant alleles.
Comment: RNF43: BP4, BS1

Labcorp Genetics (formerly Invitae), Labcorp
Classification: Benign. Last evaluated: 2026-01-27. Review status: criteria provided, single submitter. Criteria: Invitae Variant Classification Sherloc (09022015). Collection method: clinical testing. Allele origin: germline.

Center for Genomic Medicine, Rigshospitalet, Copenhagen University Hospital
Classification: Uncertain significance. Last evaluated: 2025-12-29. Review status: criteria provided, single submitter. Criteria: ACMG Guidelines, 2015. Collection method: clinical testing. Allele origin: germline.

Mayo Clinic Laboratories, Mayo Clinic
Classification: Likely benign. Last evaluated: 2025-10-02. Review status: criteria provided, single submitter. Criteria: ACMG Guidelines, 2015. Collection method: clinical testing. Allele origin: germline. Observed: 1 variant allele.
Comment: BS1, BP4

Blueprint Genetics
Classification: Likely benign. Last evaluated: 2024-11-27. Review status: criteria provided, single submitter. Criteria: ACMG Guidelines, 2015. Collection method: clinical testing. Allele origin: germline.

Ambry Genetics
Classification: Benign. Last evaluated: 2024-06-28. Review status: criteria provided, single submitter. Criteria: Ambry Variant Classification Scheme 2023. Collection method: clinical testing. Allele origin: germline.

GeneDx
Classification: Likely benign. Last evaluated: 2022-06-30. Review status: criteria provided, single submitter. Criteria: GeneDx Variant Classification Process June 2021. Collection method: clinical testing. Allele origin: germline. Affected: yes.
Comment: See Variant Classification Assertion Criteria.

Institute for Clinical Genetics, University Hospital TU Dresden, University Hospital TU Dresden
Classification: Uncertain significance. Last evaluated: 2021-11-03. Review status: criteria provided, single submitter. Criteria: ACMG Guidelines, 2015. Collection method: clinical testing. Allele origin: germline.

Department of Pathology and Laboratory Medicine, Sinai Health System
Classification: Benign for Hyperplastic polyposis syndrome. Last evaluated: 2021-10-28. Review status: criteria provided, single submitter. Criteria: ACMG Guidelines, 2015. Collection method: clinical testing. Allele origin: germline. Affected: yes.

PreventionGenetics, part of Exact Sciences
Classification: Benign for RNF43-related condition. Last evaluated: 2021-06-01. Review status: no assertion criteria provided. Collection method: clinical testing. Allele origin: germline. Not counted in ClinVar's aggregate classification.
Comment: This variant is classified as benign based on ACMG/AMP sequence variant interpretation guidelines (Richards et al. 2015 PMID: 25741868, with internal and published modifications).